The following is an entry in ClinVar:

ClinVar aggregate classification (germline): Uncertain significance (1 of 4 stars; one submission).

Conditions:
Fabry disease. Also called: ALPHA-GALACTOSIDASE A DEFICIENCY; ANDERSON-FABRY DISEASE; CERAMIDE TRIHEXOSIDASE DEFICIENCY; GLA DEFICIENCY; HEREDITARY DYSTOPIC LIPIDOSIS; Angiokeratoma corporis diffusum. Identifiers: Orphanet 324, MedGen C0002986, MONDO:0010526, OMIM 301500, HP:0001071. Disease mechanism: Fabry disease is due to inactivating mutations in the X-linked GLA gene resulting in deficiency of the enzyme Alpha Galactosidase-A., loss of function.

Submission:

Genomenon, Inc
Classification: Uncertain significance for Fabry disease. Last evaluated: 2026-09-08. Review status: criteria provided, single submitter. Criteria: Genomenon Sequence Variant Interpretation Standards - Updated. Collection method: curation. Allele origin: germline. Affected: yes.
Comment: GLA p.Ala13Pro (c.37G>C) is a missense variant that changes the amino acid at codon 13 from Alanine to Proline. This variant has been observed in at least one proband with clinical features consistent with Fabry disease (PMID:33915609;34704396). Functional or patient cell studies have been reported (PMID:33915609;27657681). It is absent or not present at a significant frequency in gnomAD. In conclusion, we classify GLA p.Ala13Pro (c.37G>C) as a variant of uncertain significance.

Literature cited by the submitters: PubMed 33915609; PubMed 34704396; PubMed 27657681.

NM_000169.3(GLA):c.37G>C (p.Ala13Pro)

Genes: GLA (galactosidase alpha; minus strand), RPL36A-HNRNPH2 (RPL36A-HNRNPH2 readthrough; plus strand). Cytogenetic location: Xq22.1.
Variant type: single nucleotide variant.
Coding change: c.37G>C on transcript NM_000169.3 (MANE Select); coding-DNA position 37, G replaced by C.
Protein change: p.Ala13Pro; replaces alanine 13 with proline.
Molecular consequence: missense variant. On other transcripts: non-coding transcript variant (3), intron variant (2).
Genome position (GRCh38, 1-based): chrX:101,407,867, C>G on the plus strand (G>C on the coding strand, the complement: GLA is on the minus strand). VCF-style: chrX-101407867-C-G. GRCh37 (hg19) VCF-style: chrX-100662855-C-G.
Other names: c.37G>C, p.Ala13Pro (NM_001406747.1, NM_001406748.1, NM_001406749.1); c.301-4069C>G (NM_001199973.2); c.178-4069C>G (NM_001199974.2); short protein forms A13P.
Identifiers: ClinVar variation 4087503 (VCV004087503.2).